The following is an entry in ClinVar:

ClinVar aggregate classification (germline): Pathogenic (1 of 4 stars; one submission).

Conditions:
Joubert syndrome and related disorders. Identifiers: Orphanet 140874, MedGen C5679612, MONDO:0015369.

Submission:

Myriad Genetics, Inc.
Classification: Pathogenic for Joubert syndrome and related disorders. Last evaluated: 2025-09-11. Review status: criteria provided, single submitter. Criteria: Myriad Autosomal Dominant, Autosomal Recessive and X-Linked Classification Criteria (2023). Collection method: clinical testing. Allele origin: unknown.
Comment: NM_001080522.2(CC2D2A):c.2576delA(K859Sfs*12) is expected to be pathogenic in the context of CC2D2A-related disorders. This variant is predicted to lead to an abnormal or absent protein product due to the creation of a premature termination codon in CC2D2A, a gene where loss-of-function variants are known to be pathogenic. Please note: this variant was assessed in the context of healthy population screening.

NM_001378615.1(CC2D2A):c.2576del (p.Lys859fs)

Genes: CC2D2A (coiled-coil and C2 domain containing 2A; plus strand), FBXL5 (F-box and leucine rich repeat protein 5; minus strand). Cytogenetic location: 4p15.32.
Variant type: Deletion.
Coding change: c.2576del on transcript NM_001378615.1 (MANE Select); coding-DNA position 2576, one base deleted (A; older notation c.2576delA).
Protein change: p.Lys859fs; shifts the reading frame from lysine 859.
Molecular consequence: frameshift variant.
Genome position (GRCh38, 1-based): chr4:15,555,161, A deleted; the last of 2 consecutive A bases (chr4:15,555,160-15,555,161); deleting either gives the same sequence. VCF-style (leftmost placement, unchanged base first): chr4-15555159-CA-C. GRCh37 (hg19) VCF-style: chr4-15556782-CA-C.
Other names: c.2576del, p.Lys859fs (NM_001080522.2); c.2429del, p.Lys810fs (NM_001378617.1); short protein forms K810fs, K859fs.
Identifiers: ClinVar variation 5014969 (VCV005014969.1).